The following is an entry in ClinVar:

ClinVar aggregate classification (germline): Uncertain significance (1 of 4 stars; one submission).

Conditions:
Sclerosteosis 2 (SOST2). Identifiers: Orphanet 3152, MedGen C3280402, MONDO:0013679, OMIM 614305.
Congenital myasthenic syndrome 17. Identifiers: Orphanet 590, MedGen C4225377, MONDO:0014578, OMIM 616304.
Cenani-Lenz syndactyly syndrome. Also called: CENANI SYNDACTYLISM; SYNDACTYLY, TYPE VII. Identifiers: Orphanet 3258, MedGen C1859309, MONDO:0008931, OMIM 212780.

Submission:

Labcorp Genetics (formerly Invitae), Labcorp
Classification: Uncertain significance for Cenani-Lenz syndactyly syndrome; Sclerosteosis 2; Congenital myasthenic syndrome 17. Last evaluated: 2022-04-13. Review status: criteria provided, single submitter. Criteria: Invitae Variant Classification Sherloc (09022015). Collection method: clinical testing. Allele origin: germline.
Comment: In summary, the available evidence is currently insufficient to determine the role of this variant in disease. Therefore, it has been classified as a Variant of Uncertain Significance. Experimental studies and prediction algorithms are not available or were not evaluated, and the functional significance of this variant is currently unknown. This variant has not been reported in the literature in individuals affected with LRP4-related conditions. This variant is not present in population databases (gnomAD no frequency). This sequence change creates a premature translational stop signal (p.Gln1870*) in the LRP4 gene. While this is not anticipated to result in nonsense mediated decay, it is expected to disrupt the last 36 amino acid(s) of the LRP4 protein.

NM_002334.4(LRP4):c.5608C>T (p.Gln1870Ter)

Genes: LRP4 (LDL receptor related protein 4; minus strand), LRP4-AS1 (LRP4 antisense RNA 1; plus strand). Cytogenetic location: 11p11.2.
Variant type: single nucleotide variant.
Coding change: c.5608C>T on transcript NM_002334.4 (MANE Select); coding-DNA position 5608, C replaced by T.
Protein change: p.Gln1870Ter; replaces glutamine 1870 with a stop codon.
Molecular consequence: nonsense.
Genome position (GRCh38, 1-based): chr11:46,859,093, G>A on the plus strand (C>T on the coding strand, the complement: LRP4 is on the minus strand). VCF-style: chr11-46859093-G-A. GRCh37 (hg19) VCF-style: chr11-46880644-G-A.
Other names: short protein forms Q1870*.
Identifiers: ClinVar variation 2102876 (VCV002102876.4), dbSNP rs2539689187, ClinGen allele CA380283576.